The following is an entry in ClinVar:

NM_130468.4(CHST14):c.992C>G (p.Ala331Gly)

Gene: CHST14 (carbohydrate sulfotransferase 14; plus strand). Cytogenetic location: 15q15.1.
Variant type: single nucleotide variant.
Coding change: c.992C>G on transcript NM_130468.4 (MANE Select); coding-DNA position 992, C replaced by G.
Protein change: p.Ala331Gly; replaces alanine 331 with glycine.
Molecular consequence: missense variant.
Genome position (GRCh38, 1-based): chr15:40,472,205, C>G. VCF-style: chr15-40472205-C-G. GRCh37 (hg19) VCF-style: chr15-40764404-C-G.
Other names: short protein forms A331G.
Identifiers: ClinVar variation 3229045 (VCV003229045.1), dbSNP rs2543006678, ClinGen allele CA391768453.

ClinVar aggregate classification (germline): Uncertain significance (1 of 4 stars; one submission).

Conditions:
Cardiovascular phenotype. Identifiers: MedGen CN230736.

Allele frequency attached by ClinVar (database versions not stated): gnomAD exomes below 0.00001.

Submission:

Ambry Genetics
Classification: Uncertain significance for Cardiovascular phenotype. Last evaluated: 2023-12-07. Review status: criteria provided, single submitter. Criteria: Ambry Variant Classification Scheme 2023. Collection method: clinical testing. Allele origin: germline.
Comment: The p.A331G variant (also known as c.992C>G), located in coding exon 1 of the CHST14 gene, results from a C to G substitution at nucleotide position 992. The alanine at codon 331 is replaced by glycine, an amino acid with similar properties. This amino acid position is conserved. In addition, this alteration is predicted to be tolerated by in silico analysis. Since supporting evidence is limited at this time, the clinical significance of this alteration remains unclear.